The following is an entry in ClinVar:

ClinVar aggregate classification (germline): Uncertain significance (1 of 4 stars; one submission).

Conditions:
Muscular dystrophy-dystroglycanopathy type B6 (MDDGB6). Also called: MUSCULAR DYSTROPHY-DYSTROGLYCANOPATHY (CONGENITAL WITH IMPAIRED INTELLECTUAL DEVELOPMENT), TYPE B, 6; MUSCULAR DYSTROPHY, CONGENITAL, LARGE-RELATED; MUSCULAR DYSTROPHY, CONGENITAL, TYPE 1D. Identifiers: MedGen C1837229, MONDO:0012138, OMIM 608840.

gnomAD v4.1: 1 of 1,603,766 alleles (0.000062%); highest among the groups gnomAD compares: South Asian, 0.0011%; no homozygotes.

Submission:

Labcorp Genetics (formerly Invitae), Labcorp
Classification: Uncertain significance for Muscular dystrophy-dystroglycanopathy type B6. Last evaluated: 2025-01-06. Review status: criteria provided, single submitter. Criteria: Invitae Variant Classification Sherloc (09022015). Collection method: clinical testing. Allele origin: germline.
Comment: This sequence change replaces serine, which is neutral and polar, with glycine, which is neutral and non-polar, at codon 51 of the LARGE1 protein (p.Ser51Gly). This variant is not present in population databases (gnomAD no frequency). This variant has not been reported in the literature in individuals affected with LARGE1-related conditions. An algorithm developed to predict the effect of missense changes on protein structure and function (PolyPhen-2) suggests that this variant is likely to be tolerated. In summary, the available evidence is currently insufficient to determine the role of this variant in disease. Therefore, it has been classified as a Variant of Uncertain Significance.

NM_133642.5(LARGE1):c.151A>G (p.Ser51Gly)

Gene: LARGE1 (LARGE xylosyl- and glucuronyltransferase 1; minus strand). Cytogenetic location: 22q12.3.
Variant type: single nucleotide variant.
Coding change: c.151A>G on transcript NM_133642.5 (MANE Select); coding-DNA position 151, A replaced by G.
Protein change: p.Ser51Gly; replaces serine 51 with glycine.
Molecular consequence: missense variant.
Genome position (GRCh38, 1-based): chr22:33,650,624, T>C on the plus strand (A>G on the coding strand, the complement: LARGE1 is on the minus strand). VCF-style: chr22-33650624-T-C. GRCh37 (hg19) VCF-style: chr22-34046610-T-C.
Other names: c.151A>G, p.Ser51Gly (NM_001362949.2, NM_001362951.2, NM_001362953.2 and 7 more transcripts); short protein forms S51G.
Identifiers: ClinVar variation 3692771 (VCV003692771.2).